The following is an entry in ClinVar:

NM_000388.4(CASR):c.550C>G (p.Leu184Val)

Gene: CASR (calcium sensing receptor; plus strand). Cytogenetic location: 3q21.1.
Variant type: single nucleotide variant.
Coding change: c.550C>G on transcript NM_000388.4 (MANE Select); coding-DNA position 550, C replaced by G.
Protein change: p.Leu184Val; replaces leucine 184 with valine.
Molecular consequence: missense variant.
Genome position (GRCh38, 1-based): chr3:122,261,585, C>G. VCF-style: chr3-122261585-C-G. GRCh37 (hg19) VCF-style: chr3-121980432-C-G.
Other names: c.550C>G, p.Leu184Val (NM_001178065.2); short protein forms L184V.
Identifiers: ClinVar variation 656110 (VCV000656110.9), dbSNP rs1576857982, ClinGen allele CA354150830.

ClinVar aggregate classification (germline): Uncertain significance (1 of 4 stars; one submission).

Conditions:
Autosomal dominant hypocalcemia 1 (HYPOC1). Also called: HYPOCALCEMIA, FAMILIAL. Identifiers: MedGen C3715128, MONDO:0011013, OMIM 601198.
Familial hypocalciuric hypercalcemia (FHH). Also called: Familial benign hypercalcemia. Identifiers: Orphanet 405, MedGen C1809471, MONDO:0018458.

Submission:

Labcorp Genetics (formerly Invitae), Labcorp
Classification: Uncertain significance for Familial hypocalciuric hypercalcemia; Autosomal dominant hypocalcemia 1. Last evaluated: 2018-08-02. Review status: criteria provided, single submitter. Criteria: Invitae Variant Classification Sherloc (09022015). Collection method: clinical testing. Allele origin: germline.
Comment: This sequence change replaces leucine with valine at codon 184 of the CASR protein (p.Leu184Val). The leucine residue is highly conserved and there is a small physicochemical difference between leucine and valine. This variant is not present in population databases (ExAC no frequency). This variant has not been reported in the literature in individuals with CASR-related disease. Algorithms developed to predict the effect of missense changes on protein structure and function are either unavailable or do not agree on the potential impact of this missense change (SIFT: "Deleterious"; PolyPhen-2: "Possibly Damaging"; Align-GVGD: "Class C0"). In summary, the available evidence is currently insufficient to determine the role of this variant in disease. Therefore, it has been classified as a Variant of Uncertain Significance.